The following is an entry in ClinVar:

ClinVar aggregate classification (germline): Uncertain significance (1 of 4 stars; one submission).

Conditions:
SEMA3D-related disorder. Also called: SEMA3D-related condition.

gnomAD v4.1: 39 of 1,610,926 alleles (0.0024%); highest among the groups gnomAD compares: South Asian, 0.043%; no homozygotes.

Submission:

PreventionGenetics, part of Exact Sciences
Classification: Uncertain significance for SEMA3D-related condition. Last evaluated: 2025-03-19. Review status: criteria provided, single submitter. Criteria: ACMG Guidelines, 2015. Collection method: clinical testing. Allele origin: germline.
Comment: The SEMA3D c.1812T>G variant is predicted to result in the amino acid substitution p.Ile604Met. To our knowledge, this variant has not been reported in the literature. This variant is reported in 0.056% of alleles in individuals of South Asian descent in gnomAD. Although we suspect that this variant may be benign, at this time, the clinical significance of this variant is uncertain due to the absence of conclusive functional and genetic evidence.

NM_001384900.1(SEMA3D):c.1812T>G (p.Ile604Met)

Gene: SEMA3D (semaphorin 3D; minus strand). Cytogenetic location: 7q21.11.
Variant type: single nucleotide variant.
Coding change: c.1812T>G on transcript NM_001384900.1 (MANE Select); coding-DNA position 1812, T replaced by G.
Protein change: p.Ile604Met; replaces isoleucine 604 with methionine.
Molecular consequence: missense variant.
Genome position (GRCh38, 1-based): chr7:85,006,898, A>C on the plus strand (T>G on the coding strand, the complement: SEMA3D is on the minus strand). VCF-style: chr7-85006898-A-C. GRCh37 (hg19) VCF-style: chr7-84636214-A-C.
Other names: c.1812T>G, p.Ile604Met (NM_001384901.1, NM_001384902.1, NM_001384903.1 and 1 more transcripts); short protein forms I604M.
Identifiers: ClinVar variation 4987869 (VCV004987869.1).